The following is an entry in ClinVar:

ClinVar aggregate classification (germline): Likely benign. Review status: criteria provided, multiple submitters, no conflicts (2 of 4 stars). 3 submissions from 3 submitters: Likely benign (2). 1 of the submissions does not count toward it. Last evaluated 2025-12-31.

Conditions:
SAMD11-related disorder. Also called: SAMD11-related condition.

Allele frequency attached by ClinVar (database versions not stated): 1000 Genomes Project 0.00020; gnomAD 0.00041 and 0.00043; ESP Exome Variant Server 0.00054.

Submissions (3):

Labcorp Genetics (formerly Invitae), Labcorp
Classification: Likely benign. Last evaluated: 2025-12-31. Review status: criteria provided, single submitter. Criteria: Invitae Variant Classification Sherloc (09022015). Collection method: clinical testing. Allele origin: germline.

Blueprint Genetics
Classification: Likely benign. Last evaluated: 2024-09-12. Review status: criteria provided, single submitter. Criteria: ACMG Guidelines, 2015. Collection method: clinical testing. Allele origin: germline.

PreventionGenetics, part of Exact Sciences
Classification: Likely benign for SAMD11-related condition. Last evaluated: 2019-05-15. Review status: no assertion criteria provided. Collection method: clinical testing. Allele origin: germline. Not counted in ClinVar's aggregate classification.
Comment: This variant is classified as likely benign based on ACMG/AMP sequence variant interpretation guidelines (Richards et al. 2015 PMID: 25741868, with internal and published modifications).

NM_001385641.1(SAMD11):c.1195+55A>G

Gene: SAMD11 (sterile alpha motif domain containing 11; plus strand). Cytogenetic location: 1p36.33.
Variant type: single nucleotide variant.
Coding change: c.1195+55A>G on transcript NM_001385641.1 (MANE Select); 55 bases into the intron after coding-DNA position 1195, A replaced by G.
Molecular consequence: intron variant.
Genome position (GRCh38, 1-based): chr1:939,467, A>G. VCF-style: chr1-939467-A-G. GRCh37 (hg19) VCF-style: chr1-874847-A-G.
Other names: c.1198+55A>G (NM_001385640.1); c.706+7A>G (NM_152486.4, NM_152486.2).
Identifiers: ClinVar variation 1153597 (VCV001153597.12), dbSNP rs370716248, ClinGen allele CA502751.